The following is an entry in ClinVar:

ClinVar aggregate classification (germline): Conflicting classifications of pathogenicity. Review status: criteria provided, conflicting classifications (1 of 4 stars). 4 submissions from 4 submitters: Uncertain significance (1); Likely benign (3). Last evaluated 2026-01-09.

Conditions:
Miller syndrome (POADS). Also called: Genee-Wiedemann acrofacial dysostosis; GENEE-WIEDEMANN SYNDROME. Identifiers: Orphanet 246, MedGen C0265257, MONDO:0009903, OMIM 263750.

Allele frequency attached by ClinVar (database versions not stated): gnomAD 0.00043 and 0.00048; TOPMed 0.00045; gnomAD exomes 0.00048 and 0.00101; ExAC 0.00034; ESP Exome Variant Server 0.00040.
gnomAD v4.1: 1,444 of 1,553,286 alleles (0.093%); highest among the groups gnomAD compares: Non-Finnish European, 0.12%; 2 homozygotes.

Submissions (4):

Labcorp Genetics (formerly Invitae), Labcorp
Classification: Likely benign. Last evaluated: 2026-01-09. Review status: criteria provided, single submitter. Criteria: Invitae Variant Classification Sherloc (09022015). Collection method: clinical testing. Allele origin: germline.

CeGaT Center for Human Genetics Tuebingen
Classification: Likely benign. Last evaluated: 2025-09-01. Review status: criteria provided, single submitter. Criteria: CeGaT Center For Human Genetics Tuebingen Variant Classification Criteria Version 2. Collection method: clinical testing. Allele origin: germline. Affected: yes. Observed: 2 variant alleles.
Comment: DHODH: BP4, BP7

Blueprint Genetics
Classification: Likely benign. Last evaluated: 2024-10-10. Review status: criteria provided, single submitter. Criteria: ACMG Guidelines, 2015. Collection method: clinical testing. Allele origin: germline.

Illumina Laboratory Services, Illumina
Classification: Uncertain significance for Miller syndrome. Last evaluated: 2018-01-12. Review status: criteria provided, single submitter. Criteria: ICSL Variant Classification Criteria 13 December 2019. Collection method: clinical testing. Allele origin: germline.

NM_001361.5(DHODH):c.804C>T (p.Ala268=)

Gene: DHODH (dihydroorotate dehydrogenase (quinone); plus strand). Cytogenetic location: 16q22.2.
Variant type: single nucleotide variant.
Coding change: c.804C>T on transcript NM_001361.5 (MANE Select); coding-DNA position 804, C replaced by T.
Protein change: p.Ala268=; no amino-acid change (alanine 268 retained).
Molecular consequence: synonymous variant.
Genome position (GRCh38, 1-based): chr16:72,022,460, C>T. VCF-style: chr16-72022460-C-T. GRCh37 (hg19) VCF-style: chr16-72056359-C-T.
Identifiers: ClinVar variation 320430 (VCV000320430.53), dbSNP rs374538940, ClinGen allele CA8158761.